The following is an entry in ClinVar:

NM_000260.4(MYO7A):c.3570G>T (p.Arg1190=)

Gene: MYO7A (myosin VIIA; plus strand). Cytogenetic location: 11q13.5.
Variant type: single nucleotide variant.
Coding change: c.3570G>T on transcript NM_000260.4 (MANE Select); coding-DNA position 3570, G replaced by T.
Protein change: p.Arg1190=; no amino-acid change (arginine 1190 retained).
Molecular consequence: synonymous variant.
Genome position (GRCh38, 1-based): chr11:77,189,410, G>T. VCF-style: chr11-77189410-G-T. GRCh37 (hg19) VCF-style: chr11-76900455-G-T.
Other names: c.3570G>T, p.Arg1190= (NM_001127180.2); c.3537G>T, p.Arg1179= (NM_001369365.1).
Identifiers: ClinVar variation 668615 (VCV000668615.10), dbSNP rs1555090354, ClinGen allele CA475795948.

ClinVar aggregate classification (germline): Likely benign. Review status: criteria provided, multiple submitters, no conflicts (2 of 4 stars). 3 submissions from 3 submitters: Likely benign (3). Last evaluated 2024-01-02.

Allele frequency attached by ClinVar (database versions not stated): gnomAD exomes below 0.00001; TOPMed below 0.00001; gnomAD 0.00001.
gnomAD v4.1: 2 of 1,613,814 alleles (0.00012%); highest among the groups gnomAD compares: Non-Finnish European, 0.00017%; no homozygotes.

Submissions (3):

Labcorp Genetics (formerly Invitae), Labcorp
Classification: Likely benign. Last evaluated: 2024-01-02. Review status: criteria provided, single submitter. Criteria: Invitae Variant Classification Sherloc (09022015). Collection method: clinical testing. Allele origin: germline.

Blueprint Genetics
Classification: Likely benign. Last evaluated: 2023-08-29. Review status: criteria provided, single submitter. Criteria: ACMG Guidelines, 2015. Collection method: clinical testing. Allele origin: germline.

GeneDx
Classification: Likely benign. Last evaluated: 2018-05-31. Review status: criteria provided, single submitter. Criteria: GeneDx Variant Classification (06012015). Collection method: clinical testing. Allele origin: germline. Affected: yes.
Comment: This variant is considered likely benign or benign based on one or more of the following criteria: it is a conservative change, it occurs at a poorly conserved position in the protein, it is predicted to be benign by multiple in silico algorithms, and/or has population frequency not consistent with disease.